The following is an entry in ClinVar:

NC_000023.10:g.(?_107782956)_(107840818_?)del

Gene: COL4A5 (collagen type IV alpha 5 chain; plus strand). Cytogenetic location: Xq22.3.
Variant type: Deletion.
Identifiers: ClinVar variation 3246266 (VCV003246266.1).

ClinVar aggregate classification (germline): Pathogenic (1 of 4 stars; one submission).

Submission:

Labcorp Genetics (formerly Invitae), Labcorp
Classification: Pathogenic. Last evaluated: 2023-02-21. Review status: criteria provided, single submitter. Criteria: Invitae Variant Classification Sherloc (09022015). Collection method: clinical testing. Allele origin: unknown.
Comment: For these reasons, this variant has been classified as Pathogenic. This variant disrupts the triple helix domain of COL4A5. Glycine residues within the Gly-Xaa-Yaa repeats of the triple helix domain are required for the structure and stability of fibrillar collagens (PMID: 7695699, 8218237, 19344236). In COL4A5, missense variants at these glycine residues are significantly enriched in individuals with disease (PMID: 23720012, 27627812) compared to the general population (ExAC). This variant has not been reported in the literature in individuals affected with COL4A5-related conditions. This variant is a gross deletion of the genomic region encompassing exon(s) 2-24 of the COL4A5 gene. This variant would be expected to be in-frame, preserving the integrity of the reading frame.

Literature cited by the submitters: PubMed 7695699; PubMed 8218237; PubMed 19344236; PubMed 23720012; PubMed 27627812.